The following is an entry in ClinVar:

ClinVar aggregate classification (germline): Uncertain significance. Review status: criteria provided, multiple submitters, no conflicts (2 of 4 stars). 2 submissions from 2 submitters: Uncertain significance (2). Last evaluated 2022-07-22.

Conditions:
MEGF10-related myopathy (CMYO10A). Also called: Congenital myopathy 10A, severe variant. Identifiers: Orphanet 439212, MedGen C3280679, MONDO:0013731, OMIM 614399.

Allele frequency attached by ClinVar (database versions not stated): TOPMed 0.00003; gnomAD exomes 0.00006 and 0.00010; gnomAD 0.00007 and 0.00008; ExAC 0.00012.
gnomAD v4.1: 103 of 1,613,910 alleles (0.0064%); highest among the groups gnomAD compares: South Asian, 0.054%; 3 homozygotes.

Submissions (2):

Labcorp Genetics (formerly Invitae), Labcorp
Classification: Uncertain significance for MEGF10-related myopathy. Last evaluated: 2022-07-22. Review status: criteria provided, single submitter. Criteria: Invitae Variant Classification Sherloc (09022015). Collection method: clinical testing. Allele origin: germline.
Comment: This sequence change replaces arginine, which is basic and polar, with glutamine, which is neutral and polar, at codon 783 of the MEGF10 protein (p.Arg783Gln). This variant is present in population databases (rs755400237, gnomAD 0.06%), including at least one homozygous and/or hemizygous individual. This variant has not been reported in the literature in individuals affected with MEGF10-related conditions. ClinVar contains an entry for this variant (Variation ID: 350662). Algorithms developed to predict the effect of missense changes on protein structure and function are either unavailable or do not agree on the potential impact of this missense change (SIFT: "Deleterious"; PolyPhen-2: "Benign"; Align-GVGD: "Class C0"). Algorithms developed to predict the effect of sequence changes on RNA splicing suggest that this variant may create or strengthen a splice site. In summary, the available evidence is currently insufficient to determine the role of this variant in disease. Therefore, it has been classified as a Variant of Uncertain Significance.

Illumina Laboratory Services, Illumina
Classification: Uncertain significance for MEGF10-related myopathy. Last evaluated: 2018-01-12. Review status: criteria provided, single submitter. Criteria: ICSL Variant Classification Criteria 13 December 2019. Collection method: clinical testing. Allele origin: germline.

NM_001256545.2(MEGF10):c.2348G>A (p.Arg783Gln)

Gene: MEGF10 (multiple EGF like domains 10; plus strand). Cytogenetic location: 5q23.2.
Variant type: single nucleotide variant.
Coding change: c.2348G>A on transcript NM_001256545.2 (MANE Select); coding-DNA position 2348, G replaced by A.
Protein change: p.Arg783Gln; replaces arginine 783 with glutamine.
Molecular consequence: missense variant.
Genome position (GRCh38, 1-based): chr5:127,440,853, G>A. VCF-style: chr5-127440853-G-A. GRCh37 (hg19) VCF-style: chr5-126776545-G-A.
Other names: c.2348G>A, p.Arg783Gln (NM_032446.3); short protein forms R783Q.
Identifiers: ClinVar variation 350662 (VCV000350662.11), dbSNP rs755400237, ClinGen allele CA3391904.